The following is an entry in ClinVar:

NM_053025.4(MYLK):c.2984A>T (p.Asn995Ile)

Gene: MYLK (myosin light chain kinase; minus strand). Cytogenetic location: 3q21.1.
Variant type: single nucleotide variant.
Coding change: c.2984A>T on transcript NM_053025.4 (MANE Select); coding-DNA position 2984, A replaced by T.
Protein change: p.Asn995Ile; replaces asparagine 995 with isoleucine.
Molecular consequence: missense variant.
Genome position (GRCh38, 1-based): chr3:123,700,484, T>A on the plus strand (A>T on the coding strand, the complement: MYLK is on the minus strand). VCF-style: chr3-123700484-T-A. GRCh37 (hg19) VCF-style: chr3-123419331-T-A.
Other names: c.2456A>T, p.Asn819Ile (NM_001321309.2); c.2777A>T, p.Asn926Ile (NM_053026.4, NM_053028.4); c.2984A>T, p.Asn995Ile (NM_053027.4); short protein forms N819I, N926I, N995I.
Identifiers: ClinVar variation 2452955 (VCV002452955.6), dbSNP rs750220725, ClinGen allele CA069219.

ClinVar aggregate classification (germline): Uncertain significance. Review status: criteria provided, multiple submitters, no conflicts (2 of 4 stars). 3 submissions from 3 submitters: Uncertain significance (3). Last evaluated 2024-03-28.

Conditions:
Aortic aneurysm, familial thoracic 7 (AAT7). Also called: AORTIC DISSECTION, FAMILIAL, WITH OR WITHOUT AORTIC ANEURYSM. Identifiers: MedGen C3151077, MONDO:0013418, OMIM 613780.
Familial thoracic aortic aneurysm and aortic dissection (TAAD). Also called: Thoracic aortic aneurysms and dissections. Identifiers: Orphanet 91387, MedGen C4707243, MONDO:0019625.

Allele frequency attached by ClinVar (database versions not stated): TOPMed below 0.00001; ExAC 0.00001; gnomAD 0.00001; gnomAD exomes 0.00001.
gnomAD v4.1: 10 of 1,607,812 alleles (0.00062%); highest among the groups gnomAD compares: Non-Finnish European, 0.00085%; no homozygotes.

Submissions (3):

GeneDx
Classification: Uncertain significance. Last evaluated: 2024-03-28. Review status: criteria provided, single submitter. Criteria: GeneDx Variant Classification Process June 2021. Collection method: clinical testing. Allele origin: germline. Affected: yes.
Comment: Not observed at significant frequency in large population cohorts (gnomAD); In silico analysis supports that this missense variant has a deleterious effect on protein structure/function; Has not been previously published as pathogenic or benign to our knowledge

Labcorp Genetics (formerly Invitae), Labcorp
Classification: Uncertain significance for Aortic aneurysm, familial thoracic 7. Last evaluated: 2024-01-25. Review status: criteria provided, single submitter. Criteria: Invitae Variant Classification Sherloc (09022015). Collection method: clinical testing. Allele origin: germline.
Comment: This sequence change replaces asparagine, which is neutral and polar, with isoleucine, which is neutral and non-polar, at codon 995 of the MYLK protein (p.Asn995Ile). This variant is present in population databases (rs750220725, gnomAD 0.0009%). This variant has not been reported in the literature in individuals affected with MYLK-related conditions. ClinVar contains an entry for this variant (Variation ID: 2452955). Advanced modeling of protein sequence and biophysical properties (such as structural, functional, and spatial information, amino acid conservation, physicochemical variation, residue mobility, and thermodynamic stability) performed at Invitae indicates that this missense variant is not expected to disrupt MYLK protein function with a negative predictive value of 80%. In summary, the available evidence is currently insufficient to determine the role of this variant in disease. Therefore, it has been classified as a Variant of Uncertain Significance.

Ambry Genetics
Classification: Uncertain significance for Familial thoracic aortic aneurysm and aortic dissection. Last evaluated: 2022-12-01. Review status: criteria provided, single submitter. Criteria: Ambry Variant Classification Scheme 2023. Collection method: clinical testing. Allele origin: germline.
Comment: The p.N995I variant (also known as c.2984A>T), located in coding exon 15 of the MYLK gene, results from an A to T substitution at nucleotide position 2984. The asparagine at codon 995 is replaced by isoleucine, an amino acid with dissimilar properties. This amino acid position is conserved. In addition, the in silico prediction for this alteration is inconclusive. Since supporting evidence is limited at this time, the clinical significance of this alteration remains unclear.